The following is an entry in ClinVar:

ClinVar aggregate classification (germline): Uncertain significance (3 of 4 stars; one submission).

Conditions:
Hereditary thrombocytopenia and hematologic cancer predisposition syndrome. Identifiers: Orphanet 71290, MedGen CN281654, MONDO:0011071.

Submission:

ClinGen Myeloid Malignancy Variant Curation Expert Panel
Classification: Uncertain significance for Hereditary thrombocytopenia and hematologic cancer predisposition syndrome. Last evaluated: 2024-08-16. Review status: reviewed by expert panel. Criteria: ClinGen MyeloMalig ACMG Specifications v2. Collection method: curation. Allele origin: germline. Inheritance: Autosomal dominant inheritance.
Comment: NM_001754.5(RUNX1):c.1441T>G (p.Ter481Gly) is a stop-loss variant which results in a protein extension of 52 residues. This variant is completely absent from all population databases with at least 20x coverage for RUNX1 (PM2_supporting). In summary, the clinical significance of this variant is uncertain. ACMG/AMP criteria applied, as specified by the Myeloid Malignancy Variant Curation Expert Panel for RUNX1: PM2_supporting, PS4_supporting.

NM_001754.5(RUNX1):c.1441T>G (p.Ter481Gly)

Gene: RUNX1 (RUNX family transcription factor 1; minus strand). Cytogenetic location: 21q22.12.
Variant type: single nucleotide variant.
Coding change: c.1441T>G on transcript NM_001754.5 (MANE Select); coding-DNA position 1441, T replaced by G.
Protein change: p.Ter481Gly.
Molecular consequence: stop lost.
Genome position (GRCh38, 1-based): chr21:34,792,137, A>C on the plus strand (T>G on the coding strand, the complement: RUNX1 is on the minus strand). VCF-style: chr21-34792137-A-C. GRCh37 (hg19) VCF-style: chr21-36164434-A-C.
Other names: NM_001754.5:c.1441T>G; c.1360T>G, p.Ter454Gly (NM_001001890.3).
Identifiers: ClinVar variation 3336849 (VCV003336849.2).